The following is an entry in ClinVar:

NM_006269.2(RP1):c.2794A>G (p.Ile932Val)

Gene: RP1 (RP1 axonemal microtubule associated; plus strand). Cytogenetic location: 8q12.1.
Variant type: single nucleotide variant.
Coding change: c.2794A>G on transcript NM_006269.2 (MANE Select); coding-DNA position 2794, A replaced by G.
Protein change: p.Ile932Val; replaces isoleucine 932 with valine.
Molecular consequence: missense variant. On other transcripts: intron variant (1).
Genome position (GRCh38, 1-based): chr8:54,626,676, A>G. VCF-style: chr8-54626676-A-G. GRCh37 (hg19) VCF-style: chr8-55539236-A-G.
Other names: c.787+4388A>G (NM_001375654.1); short protein forms I932V.
Identifiers: ClinVar variation 866008 (VCV000866008.10), dbSNP rs373573589, ClinGen allele CA4751582.
Genomic context (GRCh38, chr8:54,626,676, plus strand): 5'-ATTCAAAATTATATACAGAGTTGGTTGCAGAACATAAATCCATATCCAACTTTAAAGCCT[A>G]TAAAATCAGCTCCAGTATGTAGAAATGAAACGAGTGTGGTAAATTGTAGCAATAATAGTT-3'
Protein context (NP_006260.1, residues 922-942): NINPYPTLKP[Ile932Val]KSAPVCRNET

ClinVar aggregate classification (germline): Uncertain significance. Review status: criteria provided, multiple submitters, no conflicts (2 of 4 stars). 4 submissions from 4 submitters: Uncertain significance (4). Last evaluated 2026-06-01.

Conditions:
RP1-related disorder. Also called: RP1-related condition.
Inborn genetic diseases. Identifiers: MedGen C0950123, MeSH D030342.

Allele frequency attached by ClinVar (database versions not stated): ExAC 0.00002; gnomAD exomes 0.00003 and 0.00004; gnomAD 0.00005 and 0.00006; TOPMed 0.00005; ESP Exome Variant Server 0.00008.
gnomAD v4.1: 56 of 1,613,854 alleles (0.0035%); highest among the groups gnomAD compares: Non-Finnish European, 0.0044%; no homozygotes.

Submissions (4):

PreventionGenetics, part of Exact Sciences
Classification: Uncertain significance for RP1-related condition. Last evaluated: 2026-06-01. Review status: criteria provided, single submitter. Criteria: ACMG Guidelines, 2015. Collection method: clinical testing. Allele origin: germline.
Comment: The RP1 c.2794A>G variant is predicted to result in the amino acid substitution p.Ile932Val. To our knowledge, this variant has not been reported in the literature. This variant is reported in 0.0078% of alleles in individuals of European (Non-Finnish) descent in gnomAD. At this time, the clinical significance of this variant is uncertain due to the absence of conclusive functional and genetic evidence.

Ambry Genetics
Classification: Uncertain significance for Inborn genetic diseases. Last evaluated: 2024-10-01. Review status: criteria provided, single submitter. Criteria: Ambry Variant Classification Scheme 2023. Collection method: clinical testing. Allele origin: germline.

Labcorp Genetics (formerly Invitae), Labcorp
Classification: Uncertain significance. Last evaluated: 2024-08-30. Review status: criteria provided, single submitter. Criteria: Invitae Variant Classification Sherloc (09022015). Collection method: clinical testing. Allele origin: germline.
Comment: This sequence change replaces isoleucine, which is neutral and non-polar, with valine, which is neutral and non-polar, at codon 932 of the RP1 protein (p.Ile932Val). This variant is present in population databases (rs373573589, gnomAD 0.007%). This variant has not been reported in the literature in individuals affected with RP1-related conditions. ClinVar contains an entry for this variant (Variation ID: 866008). An algorithm developed to predict the effect of missense changes on protein structure and function (PolyPhen-2) suggests that this variant is likely to be tolerated. In summary, the available evidence is currently insufficient to determine the role of this variant in disease. Therefore, it has been classified as a Variant of Uncertain Significance.

Blueprint Genetics
Classification: Uncertain significance. Last evaluated: 2022-09-13. Review status: criteria provided, single submitter. Criteria: ACMG Guidelines, 2015. Collection method: clinical testing. Allele origin: germline.